The following is an entry in ClinVar:

ClinVar aggregate classification (germline): Likely pathogenic (0 of 4 stars; one submission).

Conditions:
EDNRB-related disorder. Also called: EDNRB-related disorders; EDNRB-related condition.

Submission:

PreventionGenetics, part of Exact Sciences
Classification: Likely pathogenic for EDNRB-related condition. Last evaluated: 2023-12-19. Review status: no assertion criteria provided. Collection method: clinical testing. Allele origin: germline.
Comment: The EDNRB c.742A>T variant is predicted to result in premature protein termination (p.Lys248*). To our knowledge, this variant has not been reported in the literature or in a large population database, indicating this variant is rare. Nonsense variants in EDNRB are expected to be pathogenic. This variant is interpreted as likely pathogenic.

NM_001122659.3(EDNRB):c.742A>T (p.Lys248Ter)

Genes: EDNRB (endothelin receptor type B; minus strand), EDNRB-AS1 (EDNRB antisense RNA 1; plus strand). Cytogenetic location: 13q22.3.
Variant type: single nucleotide variant.
Coding change: c.742A>T on transcript NM_001122659.3 (MANE Select); coding-DNA position 742, A replaced by T.
Protein change: p.Lys248Ter; replaces lysine 248 with a stop codon.
Molecular consequence: nonsense.
Genome position (GRCh38, 1-based): chr13:77,903,215, T>A on the plus strand (A>T on the coding strand, the complement: EDNRB is on the minus strand). VCF-style: chr13-77903215-T-A. GRCh37 (hg19) VCF-style: chr13-78477350-T-A.
Other names: c.742A>T, p.Lys248Ter (NM_000115.5, NM_003991.4); c.1012A>T, p.Lys338Ter (NM_001201397.2); short protein forms K248*, K338*.
Identifiers: ClinVar variation 3039754 (VCV003039754.2), dbSNP rs1879091616, ClinGen allele CA388450651.